The following is an entry in ClinVar:

ClinVar aggregate classification (germline): Uncertain significance. Review status: criteria provided, multiple submitters, no conflicts (2 of 4 stars). 3 submissions from 3 submitters: Uncertain significance (3). Last evaluated 2025-07-09.

Conditions:
Inborn genetic diseases. Identifiers: MedGen C0950123, MeSH D030342.
COG8-congenital disorder of glycosylation. Also called: CDG IIh; COG8-CDG. Identifiers: Orphanet 95428, MedGen C1970021, MONDO:0012635, OMIM 611182.

Submissions (3):

Labcorp Genetics (formerly Invitae), Labcorp
Classification: Uncertain significance for COG8-congenital disorder of glycosylation. Last evaluated: 2025-07-09. Review status: criteria provided, single submitter. Criteria: Invitae Variant Classification Sherloc (09022015). Collection method: clinical testing. Allele origin: germline.
Comment: This sequence change replaces serine, which is neutral and polar, with leucine, which is neutral and non-polar, at codon 401 of the COG8 protein (p.Ser401Leu). This variant is present in population databases (rs775310469, gnomAD 0.01%). This variant has not been reported in the literature in individuals affected with COG8-related conditions. ClinVar contains an entry for this variant (Variation ID: 3495009). Invitae Evidence Modeling of protein sequence and biophysical properties (such as structural, functional, and spatial information, amino acid conservation, physicochemical variation, residue mobility, and thermodynamic stability) indicates that this missense variant is not expected to disrupt COG8 protein function with a negative predictive value of 80%. In summary, the available evidence is currently insufficient to determine the role of this variant in disease. Therefore, it has been classified as a Variant of Uncertain Significance.

Ambry Genetics
Classification: Uncertain significance for Inborn genetic diseases. Last evaluated: 2024-11-07. Review status: criteria provided, single submitter. Criteria: Ambry Variant Classification Scheme 2023. Collection method: clinical testing. Allele origin: germline.

Fulgent Genetics
Classification: Uncertain significance for COG8-congenital disorder of glycosylation. Last evaluated: 2024-02-20. Review status: criteria provided, single submitter. Criteria: ACMG Guidelines, 2015. Collection method: clinical testing. Allele origin: germline.

NM_032382.5(COG8):c.1202C>T (p.Ser401Leu)

Gene: COG8 (component of oligomeric golgi complex 8; minus strand). Cytogenetic location: 16q22.1.
Variant type: single nucleotide variant.
Coding change: c.1202C>T on transcript NM_032382.5 (MANE Select); coding-DNA position 1202, C replaced by T.
Protein change: p.Ser401Leu; replaces serine 401 with leucine.
Molecular consequence: missense variant.
Genome position (GRCh38, 1-based): chr16:69,334,732, G>A on the plus strand (C>T on the coding strand, the complement: COG8 is on the minus strand). VCF-style: chr16-69334732-G-A. GRCh37 (hg19) VCF-style: chr16-69368635-G-A.
Other names: c.1202C>T, p.Ser401Leu (NM_001374871.1, NM_001379261.1, NM_001379262.1 and 4 more transcripts); short protein forms S401L.
Identifiers: ClinVar variation 3495009 (VCV003495009.3).